The following is an entry in ClinVar:

NM_025243.4(SLC19A3):c.412A>T (p.Arg138Ter)

Gene: SLC19A3 (solute carrier family 19 member 3; minus strand). Cytogenetic location: 2q36.3.
Variant type: single nucleotide variant.
Coding change: c.412A>T on transcript NM_025243.4 (MANE Select); coding-DNA position 412, A replaced by T.
Protein change: p.Arg138Ter; replaces arginine 138 with a stop codon.
Molecular consequence: nonsense.
Genome position (GRCh38, 1-based): chr2:227,699,303, T>A on the plus strand (A>T on the coding strand, the complement: SLC19A3 is on the minus strand). VCF-style: chr2-227699303-T-A. GRCh37 (hg19) VCF-style: chr2-228564019-T-A.
Other names: c.412A>T, p.Arg138Ter (NM_001371411.1, NM_001371412.1); c.400A>T, p.Arg134Ter (NM_001371413.1, NM_001371414.1); short protein forms R138*, R134*.
Identifiers: ClinVar variation 5013446 (VCV005013446.1).
Genomic context (GRCh38, chr2:227,699,303, plus strand): 5'-CCAGCACCGACCCTGCTGTGTAGGCGGCCAGCGTGACGCTCCTGCAGTAGCCGCTCACTC[T>A]CTGGTAGTGCTCGGGGCTGACCACGCTGTATATGTAGGCGTAGTAGGCCACCTCGGCGGC-3'

ClinVar aggregate classification (germline): Pathogenic (1 of 4 stars; one submission).

Conditions:
Biotin-responsive basal ganglia disease (BTBGD). Also called: Thiamine metabolism dysfunction syndrome 2 (biotin- or thiamine-responsive encephalopathy type 2); Thiamine metabolism dysfunction syndrome type 2; Thiamine Transporter-2 Deficiency; thiamine-responsive encephalopathy; THIAMINE METABOLISM DYSFUNCTION SYNDROME 2 (BIOTIN- AND THIAMINE-RESPONSIVE TYPE). Identifiers: Orphanet 199348, Orphanet 65284, MedGen C1843807, MONDO:0011841, OMIM 607483.

Submission:

Myriad Genetics, Inc.
Classification: Pathogenic for Biotin-responsive basal ganglia disease. Last evaluated: 2024-08-12. Review status: criteria provided, single submitter. Criteria: Myriad Autosomal Dominant, Autosomal Recessive and X-Linked Classification Criteria (2023). Collection method: clinical testing. Allele origin: unknown.
Comment: NM_025243.3(SLC19A3):c.412A>T(R138*) is expected to be pathogenic in the context of biotin-thiamine-responsive basal ganglia disease. This variant is predicted to lead to an abnormal or absent protein product due to the creation of a premature termination codon in SLC19A3, a gene where loss-of-function variants are known to be pathogenic. Please note: this variant was assessed in the context of healthy population screening.